The following is an entry in ClinVar:

NM_080680.3(COL11A2):c.4288G>T (p.Asp1430Tyr)

Gene: COL11A2 (collagen type XI alpha 2 chain; minus strand). Cytogenetic location: 6p21.32.
Variant type: single nucleotide variant.
Coding change: c.4288G>T on transcript NM_080680.3 (MANE Select); coding-DNA position 4288, G replaced by T.
Protein change: p.Asp1430Tyr; replaces aspartic acid 1430 with tyrosine.
Molecular consequence: missense variant.
Genome position (GRCh38, 1-based): chr6:33,166,770, C>A on the plus strand (G>T on the coding strand, the complement: COL11A2 is on the minus strand). VCF-style: chr6-33166770-C-A. GRCh37 (hg19) VCF-style: chr6-33134547-C-A.
Other names: c.3967G>T, p.Asp1323Tyr (NM_080679.3); c.4030G>T, p.Asp1344Tyr (NM_080681.3); short protein forms D1323Y, D1344Y, D1430Y.
Identifiers: ClinVar variation 1348671 (VCV001348671.6), dbSNP rs985479138, ClinGen allele CA137062713.

ClinVar aggregate classification (germline): Uncertain significance. Review status: criteria provided, multiple submitters, no conflicts (2 of 4 stars). 2 submissions from 2 submitters: Uncertain significance (2). Last evaluated 2024-09-28.

Submissions (2):

Labcorp Genetics (formerly Invitae), Labcorp
Classification: Uncertain significance. Last evaluated: 2024-09-28. Review status: criteria provided, single submitter. Criteria: Invitae Variant Classification Sherloc (09022015). Collection method: clinical testing. Allele origin: germline.
Comment: This sequence change replaces aspartic acid, which is acidic and polar, with tyrosine, which is neutral and polar, at codon 1430 of the COL11A2 protein (p.Asp1430Tyr). This variant is not present in population databases (gnomAD no frequency). This variant has not been reported in the literature in individuals affected with COL11A2-related conditions. ClinVar contains an entry for this variant (Variation ID: 1348671). Invitae Evidence Modeling of protein sequence and biophysical properties (such as structural, functional, and spatial information, amino acid conservation, physicochemical variation, residue mobility, and thermodynamic stability) indicates that this missense variant is not expected to disrupt COL11A2 protein function with a negative predictive value of 95%. In summary, the available evidence is currently insufficient to determine the role of this variant in disease. Therefore, it has been classified as a Variant of Uncertain Significance.

Mendelics
Classification: Uncertain significance. Last evaluated: 2022-05-04. Review status: criteria provided, single submitter. Criteria: Mendelics Assertion Criteria 2019. Collection method: clinical testing. Allele origin: germline.